The following is an entry in ClinVar:

ClinVar aggregate classification (germline): Likely pathogenic (1 of 4 stars; one submission).

Conditions:
Primary dilated cardiomyopathy (DCM). Also called: Dilated Cardiomyopathy. Identifiers: Orphanet 217604, MedGen C0007193, MeSH D002311, MONDO:0005021, HP:0001644. Inheritance: Various modes of inheritance.

Submission:

Laboratory for Molecular Medicine, Mass General Brigham Personalized Medicine
Classification: Likely pathogenic for Primary dilated cardiomyopathy. Last evaluated: 2019-06-03. Review status: criteria provided, single submitter. Criteria: LMM Criteria. Collection method: clinical testing. Allele origin: germline. Inheritance: Autosomal dominant inheritance. Observed: 1 variant allele.
Comment: The p.Phe2927LeufsX4 variant in TTN has not been previously reported in individuals with cardiomyopathy and was absent from large population studies. This variant is predicted to cause a frameshift, which alters the proteinâ€™s amino acid sequence beginning at position 2927 and leads to a premature termination codon 4 amino acids downstream. This alteration is then predicted to lead to a truncated or absent protein. Frameshift and other truncating variants in TTN are strongly associated with DCM if they impact the exons encoding for the A-band (Herman 2012, Pugh 2014) and/or are located in an exon that is highly expressed in the heart (Roberts 2015). The p.Phe2927LeufsX4 variant is located in a highly expressed exon in the I-band. In summary, although additional studies are required to fully establish its clinical significance, this variant meets criteria to be classified as likely pathogenic for autosomal dominant DCM. ACMG/AMP Criteria applied: PVS1, PM2.

NM_001267550.2(TTN):c.8780_8781insAT (p.Phe2927fs)

Gene: TTN (titin; minus strand). Cytogenetic location: 2q31.2.
Variant type: Insertion.
Coding change: c.8780_8781insAT on transcript NM_001267550.2 (MANE Select); coding-DNA positions 8780 to 8781, AT inserted.
Protein change: p.Phe2927fs; shifts the reading frame from phenylalanine 2927.
Molecular consequence: frameshift variant.
Genome position: GRCh38 VCF-style: chr2-178769800-G-GAT. GRCh37 (hg19) VCF-style: chr2-179634527-G-GAT.
Other names: c.8780_8781insAT, p.Phe2927fs (NM_001256850.1, NM_133378.4, NM_133379.5); c.8642_8643insAT, p.Phe2881fs (NM_003319.4, NM_133432.3, NM_133437.4); short protein forms F2881fs, F2927fs.
Identifiers: ClinVar variation 929956 (VCV000929956.4), dbSNP rs2091199299, ClinGen allele CA1139657491.
Genomic context (GRCh38, chr2:178,769,800, plus strand): 5'-GTCCTCTGTGCTGGTGTTCATGATGATCAGCTGATGGAGTTTTCCCTGCACAACTATCTT[G>GAT]AACTTTTCACTCATCTCAATTTCCACACCATTCTTCAGCCACATGGAAGGGACATTGAAG-3'